The following is an entry in ClinVar:

ClinVar aggregate classification (germline): Pathogenic. Review status: criteria provided, single submitter (1 of 4 stars). 2 submissions from 2 submitters: Pathogenic (1). 1 of the submissions does not count toward it. Last evaluated 2024-03-06.

Conditions:
Bohring-Opitz syndrome. Also called: BOHRING SYNDROME; OPITZ TRIGONOCEPHALY-LIKE SYNDROME; ASXL1-Related Bohring-Opitz Syndrome; C-LIKE SYNDROME. Identifiers: Orphanet 97297, MedGen C0796232, MONDO:0011510, OMIM 605039.

Allele frequency attached by ClinVar (database versions not stated): ExAC 0.00001; gnomAD exomes below 0.00001.

Submissions (2):

Women's Health and Genetics/Laboratory Corporation of America, LabCorp
Classification: Pathogenic for Bohring-Opitz syndrome. Last evaluated: 2024-03-06. Review status: criteria provided, single submitter. Criteria: LabCorp Variant Classification Summary - May 2015. Collection method: clinical testing. Allele origin: germline.
Comment: Variant summary: ASXL1 c.2197C>T (p.Gln733X) results in a premature termination codon, predicted to cause a truncation of the encoded protein or absence of the protein. The frequency data for this variant in gnomAD is considered unreliable, as metrics indicate poor data quality at this position. c.2197C>T has been reported in the literature in individuals affected with Bohring-Opitz Syndrome and at-least one of these cases was reported as a de novo occurrence (examples: Hoischen_2011, Asadollahi_2014). These data indicate that the variant is very likely associated with disease. The following publications have been ascertained in the context of this evaluation (PMID: 21706002, 25106414). ClinVar contains an entry for this variant (Variation ID: 30989). Based on the evidence outlined above, the variant was classified as pathogenic.

OMIM
Classification: Pathogenic for BOHRING-OPITZ SYNDROME. Last evaluated: 2011-06-26. Review status: no assertion criteria provided. Collection method: literature only. Allele origin: germline. Not counted in ClinVar's aggregate classification.

Literature cited by the submitters: PubMed 22489043 (cited by Women's Health and Genetics/Laboratory Corporation of America, LabCorp); PubMed 24442206 (cited by Women's Health and Genetics/Laboratory Corporation of America, LabCorp); PubMed 24458439 (cited by Women's Health and Genetics/Laboratory Corporation of America, LabCorp); PubMed 25652455 (cited by Women's Health and Genetics/Laboratory Corporation of America, LabCorp); PubMed 24695057 (cited by Women's Health and Genetics/Laboratory Corporation of America, LabCorp); PubMed 23018865 (cited by Women's Health and Genetics/Laboratory Corporation of America, LabCorp); PubMed 21881046 (cited by Women's Health and Genetics/Laboratory Corporation of America, LabCorp); PubMed 23619563 (cited by Women's Health and Genetics/Laboratory Corporation of America, LabCorp); PubMed 20880116 (cited by Women's Health and Genetics/Laboratory Corporation of America, LabCorp); PubMed 23690417 (cited by Women's Health and Genetics/Laboratory Corporation of America, LabCorp); PubMed 22031865 (cited by Women's Health and Genetics/Laboratory Corporation of America, LabCorp); PubMed 25596267 (cited by Women's Health and Genetics/Laboratory Corporation of America, LabCorp); PubMed 22058207 (cited by Women's Health and Genetics/Laboratory Corporation of America, LabCorp); PubMed 24496303 (cited by Women's Health and Genetics/Laboratory Corporation of America, LabCorp); PubMed 21576631 (cited by Women's Health and Genetics/Laboratory Corporation of America, LabCorp); PubMed 24255920 (cited by Women's Health and Genetics/Laboratory Corporation of America, LabCorp); PubMed 27895058 (cited by Women's Health and Genetics/Laboratory Corporation of America, LabCorp); PubMed 27276561 (cited by Women's Health and Genetics/Laboratory Corporation of America, LabCorp); PubMed 25106414 (cited by Women's Health and Genetics/Laboratory Corporation of America, LabCorp); PubMed 21706002 (cited by Women's Health and Genetics/Laboratory Corporation of America, LabCorp and OMIM).

NM_015338.6(ASXL1):c.2197C>T (p.Gln733Ter)

Gene: ASXL1 (ASXL transcriptional regulator 1; plus strand). Cytogenetic location: 20q11.21.
Variant type: single nucleotide variant.
Coding change: c.2197C>T on transcript NM_015338.6 (MANE Select); coding-DNA position 2197, C replaced by T.
Protein change: p.Gln733Ter; replaces glutamine 733 with a stop codon.
Molecular consequence: nonsense.
Genome position (GRCh38, 1-based): chr20:32,434,909, C>T. VCF-style: chr20-32434909-C-T. GRCh37 (hg19) VCF-style: chr20-31022712-C-T.
Other names: c.2014C>T, p.Gln672Ter (NM_001363734.1); short protein forms Q733*, Q672*.
Identifiers: ClinVar variation 30989 (VCV000030989.6), dbSNP rs387907078, ClinGen allele CA129594.